The following is an entry in ClinVar:

NM_001079802.2(FKTN):c.844C>T (p.Gln282Ter)

Gene: FKTN (fukutin; plus strand). Cytogenetic location: 9q31.2.
Variant type: single nucleotide variant.
Coding change: c.844C>T on transcript NM_001079802.2 (MANE Select); coding-DNA position 844, C replaced by T.
Protein change: p.Gln282Ter; replaces glutamine 282 with a stop codon.
Molecular consequence: nonsense. On other transcripts: non-coding transcript variant (1).
Genome position (GRCh38, 1-based): chr9:105,615,341, C>T. VCF-style: chr9-105615341-C-T. GRCh37 (hg19) VCF-style: chr9-108377622-C-T.
Other names: c.448C>T, p.Gln150Ter (NM_001351500.2, NM_001351501.2, NM_001351502.2 and 1 more transcripts); c.844C>T, p.Gln282Ter (NM_006731.2, NM_001198963.2, NM_001351496.2 and 1 more transcripts); c.775C>T, p.Gln259Ter (NM_001351497.2); short protein forms Q259*, Q150*, Q282*.
Identifiers: ClinVar variation 2761205 (VCV002761205.3), dbSNP rs2539657496, ClinGen allele CA374377222.
Genomic context (GRCh38, chr9:105,615,341, plus strand): 5'-TACCTTGATGATAACACTGTGGAAGCTGTGGCCTTTCGGAAGAGTGCAAAGGAATTACTG[C>T]AACTAGCAGCGAAAACATTAAACAAATTGGGAGTACCATTCTGGCTGAGCAGTGGAACTT-3'

ClinVar aggregate classification (germline): Pathogenic (1 of 4 stars; one submission).

Conditions:
Walker-Warburg congenital muscular dystrophy. Also called: Muscular dystrophy-dystroglycanopathy, type A; Walker-Warburg syndrome. Identifiers: Orphanet 899, MedGen C0265221, MONDO:0000171.

Submission:

Labcorp Genetics (formerly Invitae), Labcorp
Classification: Pathogenic for Walker-Warburg congenital muscular dystrophy. Last evaluated: 2023-09-17. Review status: criteria provided, single submitter. Criteria: Invitae Variant Classification Sherloc (09022015). Collection method: clinical testing. Allele origin: germline.
Comment: For these reasons, this variant has been classified as Pathogenic. Algorithms developed to predict the effect of sequence changes on RNA splicing suggest that this variant may disrupt the consensus splice site. This variant has not been reported in the literature in individuals affected with FKTN-related conditions. This variant is not present in population databases (gnomAD no frequency). This sequence change creates a premature translational stop signal (p.Gln282*) in the FKTN gene. It is expected to result in an absent or disrupted protein product. Loss-of-function variants in FKTN are known to be pathogenic (PMID: 17044012, 17878207, 18752264).

Literature cited by the submitters: PubMed 17044012; PubMed 17878207; PubMed 18752264.